The following is an entry in ClinVar:

ClinVar aggregate classification (germline): Conflicting classifications of pathogenicity. Review status: criteria provided, conflicting classifications (1 of 4 stars). 4 submissions from 4 submitters: Uncertain significance (3); Likely benign (1). Last evaluated 2025-04-21.

Conditions:
Connective tissue disorder. Also called: Connective tissue disease. Identifiers: MedGen C0009782, MONDO:0003900.
HSPG2-related disorder. Also called: HSPG2-related disorders; HSPG2-related condition.

Allele frequency attached by ClinVar (database versions not stated): ExAC 0.00004; gnomAD exomes 0.00005 and 0.00001; gnomAD 0.00001; TOPMed 0.00001.
gnomAD v4.1: 20 of 1,613,758 alleles (0.0012%); highest among the groups gnomAD compares: South Asian, 0.0088%; no homozygotes.

Submissions (4):

PreventionGenetics, part of Exact Sciences
Classification: Likely benign for HSPG2-related condition. Last evaluated: 2025-04-21. Review status: criteria provided, single submitter. Criteria: ACMG Guidelines, 2015. Collection method: clinical testing. Allele origin: germline.
Comment: This variant is classified as likely benign based on ACMG/AMP sequence variant interpretation guidelines (Richards et al. 2015 PMID: 25741868, with internal and published modifications).

Genome Diagnostics Laboratory, The Hospital for Sick Children
Classification: Uncertain significance for Connective tissue disorder. Last evaluated: 2021-05-21. Review status: criteria provided, single submitter. Criteria: ACMG Guidelines, 2015. Collection method: clinical testing. Allele origin: germline.

Labcorp Genetics (formerly Invitae), Labcorp
Classification: Uncertain significance. Last evaluated: 2021-05-18. Review status: criteria provided, single submitter. Criteria: Invitae Variant Classification Sherloc (09022015). Collection method: clinical testing. Allele origin: germline.
Comment: This sequence change falls in intron 11 of the HSPG2 gene. It does not directly change the encoded amino acid sequence of the HSPG2 protein. It affects a nucleotide within the consensus splice site of the intron. This variant is present in population databases (rs781394836, ExAC 0.01%). This variant has not been reported in the literature in individuals with HSPG2-related conditions. ClinVar contains an entry for this variant (Variation ID: 993585). Nucleotide substitutions within the consensus splice site are a relatively common cause of aberrant splicing (PMID: 17576681, 9536098). Algorithms developed to predict the effect of sequence changes on RNA splicing suggest that this variant may disrupt the consensus splice site, but this prediction has not been confirmed by published transcriptional studies. In summary, the available evidence is currently insufficient to determine the role of this variant in disease. Therefore, it has been classified as a Variant of Uncertain Significance.

ARUP Laboratories, Molecular Genetics and Genomics, ARUP Laboratories
Classification: Uncertain significance. Last evaluated: 2019-08-16. Review status: criteria provided, single submitter. Criteria: ARUP Molecular Germline Variant Investigation Process. Collection method: clinical testing. Allele origin: germline.
Comment: The HSPG2 c.1355+5G>A variant (rs781394836), to our knowledge, is not reported in the medical literature or gene specific databases. This variant is listed in the Genome Aggregation Database (gnomAD) with an overall population frequency of 0.0048 percent (identified on 12 out of 250,022 chromosomes). This is an intronic variant in a moderately conserved nucleotide, and computational analyses (Alamut v.2.11) predict that this variant may impact splicing by weakening the canonical donor site of intron 11. Altogether, there is not enough evidence to classify the c.1355+5G>A variant with certainty.

Literature cited by the submitters: PubMed 17576681 (cited by Labcorp Genetics (formerly Invitae), Labcorp); PubMed 9536098 (cited by Labcorp Genetics (formerly Invitae), Labcorp).

NM_005529.7(HSPG2):c.1355+5G>A

Gene: HSPG2 (heparan sulfate proteoglycan 2; minus strand). Cytogenetic location: 1p36.12.
Variant type: single nucleotide variant.
Coding change: c.1355+5G>A on transcript NM_005529.7 (MANE Select); 5 bases into the intron after coding-DNA position 1355, G replaced by A.
Molecular consequence: intron variant.
Genome position (GRCh38, 1-based): chr1:21,885,008, C>T on the plus strand (G>A on the coding strand, the complement: HSPG2 is on the minus strand). VCF-style: chr1-21885008-C-T. GRCh37 (hg19) VCF-style: chr1-22211501-C-T.
Other names: c.1355+5G>A (NM_001291860.2).
Identifiers: ClinVar variation 993585 (VCV000993585.15), dbSNP rs781394836, ClinGen allele CA673482.